The following is an entry in ClinVar:

NM_006914.4(RORB):c.1126A>G (p.Ile376Val)

Gene: RORB (RAR related orphan receptor B; plus strand). Cytogenetic location: 9q21.13.
Variant type: single nucleotide variant.
Coding change: c.1126A>G on transcript NM_006914.4 (MANE Select); coding-DNA position 1126, A replaced by G.
Protein change: p.Ile376Val; replaces isoleucine 376 with valine.
Molecular consequence: missense variant.
Genome position (GRCh38, 1-based): chr9:74,671,803, A>G. VCF-style: chr9-74671803-A-G. GRCh37 (hg19) VCF-style: chr9-77286719-A-G.
Other names: c.1159A>G, p.Ile387Val (NM_001365023.1); short protein forms I376V, I387V.
Identifiers: ClinVar variation 1806509 (VCV001806509.1), dbSNP rs2489648587, ClinGen allele CA373771619.
Genomic context (GRCh38, chr9:74,671,803, plus strand): 5'-AACAAAGTTGATGTTCCCTCCACTTACCCACTCTTTCTTTCATCAGACCGAGCCTGGCTT[A>G]TAGAACCAAGGAAAGTCCAGAAGCTTCAGGAAAAAATTTATTTTGCACTTCAACATGTGA-3'
Protein context (NP_008845.2, residues 366-386): VLISPDRAWL[Ile376Val]EPRKVQKLQE

ClinVar aggregate classification (germline): Uncertain significance (1 of 4 stars; one submission).

Allele frequency attached by ClinVar (database versions not stated): gnomAD exomes 0.00001.
gnomAD v4.1: 8 of 1,611,582 alleles (0.0005%); highest among the groups gnomAD compares: Non-Finnish European, 0.00068%; no homozygotes.

Submission:

GeneDx
Classification: Uncertain significance. Last evaluated: 2022-06-20. Review status: criteria provided, single submitter. Criteria: GeneDx Variant Classification Process June 2021. Collection method: clinical testing. Allele origin: germline. Affected: yes.
Comment: Has not been previously published as pathogenic or benign to our knowledge; Not observed at significant frequency in large population cohorts (gnomAD); In silico analysis supports that this missense variant does not alter protein structure/function